The following is an entry in ClinVar:

ClinVar aggregate classification (germline): Uncertain significance. Review status: criteria provided, multiple submitters, no conflicts (2 of 4 stars). 2 submissions from 2 submitters: Uncertain significance (2). Last evaluated 2024-02-28.

Conditions:
Inborn genetic diseases. Identifiers: MedGen C0950123, MeSH D030342.
Joubert syndrome. Also called: CEREBELLOPARENCHYMAL DISORDER IV; JOUBERT-BOLTSHAUSER SYNDROME; Familial aplasia of the vermis. Identifiers: Orphanet 475, MedGen C5979921, MONDO:0018772.

Allele frequency attached by ClinVar (database versions not stated): gnomAD exomes below 0.00001 and 0.00001; TOPMed 0.00001.
gnomAD v4.1: 5 of 1,614,006 alleles (0.00031%); highest among the groups gnomAD compares: Non-Finnish European, 0.00042%; no homozygotes.

Submissions (2):

Ambry Genetics
Classification: Uncertain significance for Inborn genetic diseases. Last evaluated: 2024-02-28. Review status: criteria provided, single submitter. Criteria: Ambry Variant Classification Scheme 2023. Collection method: clinical testing. Allele origin: germline.

Labcorp Genetics (formerly Invitae), Labcorp
Classification: Uncertain significance for Joubert syndrome. Last evaluated: 2022-11-01. Review status: criteria provided, single submitter. Criteria: Invitae Variant Classification Sherloc (09022015). Collection method: clinical testing. Allele origin: germline.
Comment: This sequence change replaces lysine, which is basic and polar, with glutamic acid, which is acidic and polar, at codon 127 of the AHI1 protein (p.Lys127Glu). This variant is present in population databases (no rsID available, gnomAD 0.003%). This variant has not been reported in the literature in individuals affected with AHI1-related conditions. ClinVar contains an entry for this variant (Variation ID: 1497438). Algorithms developed to predict the effect of missense changes on protein structure and function (SIFT, PolyPhen-2, Align-GVGD) all suggest that this variant is likely to be tolerated. In summary, the available evidence is currently insufficient to determine the role of this variant in disease. Therefore, it has been classified as a Variant of Uncertain Significance.

NM_001134831.2(AHI1):c.379A>G (p.Lys127Glu)

Gene: AHI1 (Abelson helper integration site 1; minus strand). Cytogenetic location: 6q23.3.
Variant type: single nucleotide variant.
Coding change: c.379A>G on transcript NM_001134831.2 (MANE Select); coding-DNA position 379, A replaced by G.
Protein change: p.Lys127Glu; replaces lysine 127 with glutamic acid.
Molecular consequence: missense variant.
Genome position (GRCh38, 1-based): chr6:135,466,184, T>C on the plus strand (A>G on the coding strand, the complement: AHI1 is on the minus strand). VCF-style: chr6-135466184-T-C. GRCh37 (hg19) VCF-style: chr6-135787322-T-C.
Other names: c.379A>G (NM_017651.4); c.379A>G, p.Lys127Glu (NM_001134830.2, NM_001134832.2, NM_001350503.2 and 2 more transcripts); short protein forms K127E.
Identifiers: ClinVar variation 1497438 (VCV001497438.4), dbSNP rs912049113, ClinGen allele CA148149217.